The following is an entry in ClinVar:

ClinVar aggregate classification (germline): Uncertain significance (1 of 4 stars; one submission).

Submission:

Labcorp Genetics (formerly Invitae), Labcorp
Classification: Uncertain significance. Last evaluated: 2024-12-02. Review status: criteria provided, single submitter. Criteria: Invitae Variant Classification Sherloc (09022015). Collection method: clinical testing. Allele origin: germline.
Comment: This sequence change replaces serine, which is neutral and polar, with alanine, which is neutral and non-polar, at codon 292 of the MCM5 protein (p.Ser292Ala). This variant is not present in population databases (gnomAD no frequency). This variant has not been reported in the literature in individuals affected with MCM5-related conditions. ClinVar contains an entry for this variant (Variation ID: 2788882). Invitae Evidence Modeling of protein sequence and biophysical properties (such as structural, functional, and spatial information, amino acid conservation, physicochemical variation, residue mobility, and thermodynamic stability) indicates that this missense variant is not expected to disrupt MCM5 protein function with a negative predictive value of 80%. In summary, the available evidence is currently insufficient to determine the role of this variant in disease. Therefore, it has been classified as a Variant of Uncertain Significance.

NM_006739.4(MCM5):c.874T>G (p.Ser292Ala)

Gene: MCM5 (minichromosome maintenance complex component 5; plus strand). Cytogenetic location: 22q12.3.
Variant type: single nucleotide variant.
Coding change: c.874T>G on transcript NM_006739.4 (MANE Select); coding-DNA position 874, T replaced by G.
Protein change: p.Ser292Ala; replaces serine 292 with alanine.
Molecular consequence: missense variant.
Genome position (GRCh38, 1-based): chr22:35,410,865, T>G. VCF-style: chr22-35410865-T-G. GRCh37 (hg19) VCF-style: chr22-35806858-T-G.
Other names: short protein forms S292A.
Identifiers: ClinVar variation 2788882 (VCV002788882.3), dbSNP rs1251655996, ClinGen allele CA411343217.